The following is an entry in ClinVar:

NM_022124.6(CDH23):c.2920A>G (p.Thr974Ala)

Gene: CDH23 (cadherin related 23; plus strand). Cytogenetic location: 10q22.1.
Variant type: single nucleotide variant.
Coding change: c.2920A>G on transcript NM_022124.6 (MANE Select); coding-DNA position 2920, A replaced by G.
Protein change: p.Thr974Ala; replaces threonine 974 with alanine.
Molecular consequence: missense variant.
Genome position (GRCh38, 1-based): chr10:71,705,097, A>G. VCF-style: chr10-71705097-A-G. GRCh37 (hg19) VCF-style: chr10-73464854-A-G.
Other names: c.2920A>G, p.Thr974Ala (NM_001171930.2, NM_001171931.2); short protein forms T974A.
Identifiers: ClinVar variation 3573778 (VCV003573778.1).

ClinVar aggregate classification (germline): Uncertain significance (1 of 4 stars; one submission).

Submission:

GeneDx
Classification: Uncertain significance. Last evaluated: 2024-07-19. Review status: criteria provided, single submitter. Criteria: GeneDx Variant Classification Process June 2021. Collection method: clinical testing. Allele origin: germline. Affected: yes.
Comment: Not observed at significant frequency in large population cohorts (gnomAD); In silico analysis supports that this missense variant has a deleterious effect on protein structure/function; Has not been previously published as pathogenic or benign to our knowledge